The following is an entry in ClinVar:

ClinVar aggregate classification (germline): Pathogenic (1 of 4 stars; one submission).

Submission:

Labcorp Genetics (formerly Invitae), Labcorp
Classification: Pathogenic. Last evaluated: 2023-08-14. Review status: criteria provided, single submitter. Criteria: Invitae Variant Classification Sherloc (09022015). Collection method: clinical testing. Allele origin: germline.
Comment: For these reasons, this variant has been classified as Pathogenic. This variant has not been reported in the literature in individuals affected with MYO15A-related conditions. This variant is not present in population databases (gnomAD no frequency). This sequence change creates a premature translational stop signal (p.Pro1047Glnfs*22) in the MYO15A gene. It is expected to result in an absent or disrupted protein product. Loss-of-function variants in MYO15A are known to be pathogenic (PMID: 17546645).

Literature cited by the submitters: PubMed 17546645.

NM_016239.4(MYO15A):c.3140_3141del (p.Pro1047fs)

Gene: MYO15A (myosin XVA; plus strand). Cytogenetic location: 17p11.2.
Variant type: Deletion.
Coding change: c.3140_3141del on transcript NM_016239.4 (MANE Select); coding-DNA positions 3140 to 3141, 2 bases deleted (CC; older notation c.3140_3141delCC).
Protein change: p.Pro1047fs; shifts the reading frame from proline 1047.
Molecular consequence: frameshift variant.
Genome position (GRCh38, 1-based): chr17:18,121,940-18,121,941, CC deleted; deleting any 2 consecutive bases within chr17:18,121,936-18,121,941 gives the same sequence; the c. name uses the placement nearest the transcript's 3' end. VCF-style (leftmost placement, unchanged base first): chr17-18121935-TCC-T. GRCh37 (hg19) VCF-style: chr17-18025249-TCC-T.
Other names: short protein forms P1047fs.
Identifiers: ClinVar variation 2752294 (VCV002752294.3), dbSNP rs1317243760, ClinGen allele CA2697559452.